The following is an entry in ClinVar:

ClinVar aggregate classification (germline): Uncertain significance. Review status: criteria provided, multiple submitters, no conflicts (2 of 4 stars). 2 submissions from 2 submitters: Uncertain significance (2). Last evaluated 2025-09-07.

Conditions:
Cardiovascular phenotype. Identifiers: MedGen CN230736.
Long QT syndrome (LQTS). Identifiers: MedGen C0023976, MeSH D008133, MONDO:0002442. Disease mechanism: loss of function. Inheritance: Various modes of inheritance.

Allele frequency attached by ClinVar (database versions not stated): ExAC 0.00001; gnomAD 0.00001; TOPMed 0.00002.
gnomAD v4.1: 3 of 1,613,890 alleles (0.00019%); highest among the groups gnomAD compares: South Asian, 0.0022%; no homozygotes.

Submissions (2):

Ambry Genetics
Classification: Uncertain significance for Cardiovascular phenotype. Last evaluated: 2025-09-07. Review status: criteria provided, single submitter. Criteria: Ambry Variant Classification Scheme 2023. Collection method: clinical testing. Allele origin: germline.
Comment: The p.S2734N variant (also known as c.8201G>A), located in coding exon 33 of the AKAP9 gene, results from a G to A substitution at nucleotide position 8201. The serine at codon 2734 is replaced by asparagine, an amino acid with highly similar properties. This amino acid position is conserved. In addition, this alteration is predicted to be tolerated by in silico analysis. Since supporting evidence is limited at this time, the clinical significance of this alteration remains unclear.

Labcorp Genetics (formerly Invitae), Labcorp
Classification: Uncertain significance for Long QT syndrome. Last evaluated: 2024-05-09. Review status: criteria provided, single submitter. Criteria: Invitae Variant Classification Sherloc (09022015). Collection method: clinical testing. Allele origin: germline.
Comment: This sequence change replaces serine, which is neutral and polar, with asparagine, which is neutral and polar, at codon 2734 of the AKAP9 protein (p.Ser2734Asn). This variant is present in population databases (rs771803411, gnomAD 0.007%). This variant has not been reported in the literature in individuals affected with AKAP9-related conditions. ClinVar contains an entry for this variant (Variation ID: 2626291). Algorithms developed to predict the effect of missense changes on protein structure and function output the following: SIFT: "Not Available"; PolyPhen-2: "Benign"; Align-GVGD: "Not Available". The asparagine amino acid residue is found in multiple mammalian species, which suggests that this missense change does not adversely affect protein function. In summary, the available evidence is currently insufficient to determine the role of this variant in disease. Therefore, it has been classified as a Variant of Uncertain Significance.

NM_005751.5(AKAP9):c.8201G>A (p.Ser2734Asn)

Gene: AKAP9 (A-kinase anchoring protein 9; plus strand). Cytogenetic location: 7q21.2.
Variant type: single nucleotide variant.
Coding change: c.8201G>A on transcript NM_005751.5 (MANE Select); coding-DNA position 8201, G replaced by A.
Protein change: p.Ser2734Asn; replaces serine 2734 with asparagine.
Molecular consequence: missense variant.
Genome position (GRCh38, 1-based): chr7:92,083,210, G>A. VCF-style: chr7-92083210-G-A. GRCh37 (hg19) VCF-style: chr7-91712524-G-A.
Other names: c.2846G>A, p.Ser949Asn (NM_001379277.1); c.8177G>A, p.Ser2726Asn (NM_147185.3); short protein forms S2726N, S2734N, S949N.
Identifiers: ClinVar variation 2626291 (VCV002626291.5), dbSNP rs771803411, ClinGen allele CA4337449.